The following is an entry in ClinVar:

ClinVar aggregate classification (germline): Uncertain significance. Review status: criteria provided, multiple submitters, no conflicts (2 of 4 stars). 2 submissions from 2 submitters: Uncertain significance (2). Last evaluated 2023-12-22.

Conditions:
Inborn genetic diseases. Identifiers: MedGen C0950123, MeSH D030342.

Allele frequency attached by ClinVar (database versions not stated): gnomAD 0.00001; TOPMed 0.00001.
gnomAD v4.1: 9 of 1,614,118 alleles (0.00056%); highest among the groups gnomAD compares: East Asian, 0.0022%; no homozygotes.

Submissions (2):

Labcorp Genetics (formerly Invitae), Labcorp
Classification: Uncertain significance. Last evaluated: 2023-12-22. Review status: criteria provided, single submitter. Criteria: Invitae Variant Classification Sherloc (09022015). Collection method: clinical testing. Allele origin: germline.
Comment: This sequence change replaces arginine, which is basic and polar, with histidine, which is basic and polar, at codon 334 of the TSPEAR protein (p.Arg334His). This variant is present in population databases (no rsID available, gnomAD 0.01%). This variant has not been reported in the literature in individuals affected with TSPEAR-related conditions. ClinVar contains an entry for this variant (Variation ID: 1976425). Advanced modeling of protein sequence and biophysical properties (such as structural, functional, and spatial information, amino acid conservation, physicochemical variation, residue mobility, and thermodynamic stability) performed at Invitae indicates that this missense variant is not expected to disrupt TSPEAR protein function with a negative predictive value of 80%. In summary, the available evidence is currently insufficient to determine the role of this variant in disease. Therefore, it has been classified as a Variant of Uncertain Significance.

Ambry Genetics
Classification: Uncertain significance for Inborn genetic diseases. Last evaluated: 2023-09-22. Review status: criteria provided, single submitter. Criteria: Ambry Variant Classification Scheme 2023. Collection method: clinical testing. Allele origin: germline.

NM_144991.3(TSPEAR):c.1001G>A (p.Arg334His)

Gene: TSPEAR (thrombospondin type laminin G domain and EAR repeats; minus strand). Cytogenetic location: 21q22.3.
Variant type: single nucleotide variant.
Coding change: c.1001G>A on transcript NM_144991.3 (MANE Select); coding-DNA position 1001, G replaced by A.
Protein change: p.Arg334His; replaces arginine 334 with histidine.
Molecular consequence: missense variant.
Genome position (GRCh38, 1-based): chr21:44,527,440, C>T on the plus strand (G>A on the coding strand, the complement: TSPEAR is on the minus strand). VCF-style: chr21-44527440-C-T. GRCh37 (hg19) VCF-style: chr21-45947323-C-T.
Other names: c.797G>A, p.Arg266His (NM_001272037.2); c.1001G>A (NM_144991.2); short protein forms R266H, R334H.
Identifiers: ClinVar variation 1976425 (VCV001976425.6), dbSNP rs868907838, ClinGen allele CA410441887.
Genomic context (GRCh38, chr21:44,527,440, plus strand): 5'-TAGACGGCGGATGTGGCTTTGCGATTGGCTGTGGCCACAAAGAGCCCCACCTGAGGGATG[C>T]GGAACACCTCAATGCCCAGGGTCTCTGAGTTGGTGGACAAGTTCTGATGCTCCTCCACGT-3'
Protein context (NP_659428.2, residues 324-344): NSETLGIEVF[Arg334His]IPQVGLFVAT